The following is an entry in ClinVar:

ClinVar aggregate classification (germline): Pathogenic (1 of 4 stars; one submission).

Conditions:
Developmental and epileptic encephalopathy, 42 (DEE42A). Also called: DEVELOPMENTAL AND EPILEPTIC ENCEPHALOPATHY 42A; EPILEPTIC ENCEPHALOPATHY, EARLY INFANTILE, 42A; Epileptic encephalopathy, early infantile, 42. Identifiers: MedGen C4310716, MONDO:0014917, OMIM 617106.

Submission:

Women's Health and Genetics/Laboratory Corporation of America, LabCorp
Classification: Pathogenic for Developmental and epileptic encephalopathy, 42. Last evaluated: 2024-11-08. Review status: criteria provided, single submitter. Criteria: LabCorp Variant Classification Summary - May 2015. Collection method: clinical testing. Allele origin: germline.
Comment: Variant summary: CACNA1A c.3594dupA (p.Glu1199ArgfsX18) results in a premature termination codon, predicted to cause absence of the protein due to nonsense mediated decay, which is a commonly known mechanism for disease. The frequency data for this variant in gnomAD is considered unreliable, as metrics indicate poor data quality at this position. To our knowledge, no occurrence of c.3594dupA in individuals affected with Epileptic Encephalopathy, Early Infantile, 42 and no experimental evidence demonstrating its impact on protein function have been reported. No submitters have cited clinical-significance assessments for this variant to ClinVar. Based on the evidence outlined above, the variant was classified as pathogenic.

NM_001127222.2(CACNA1A):c.3591dup (p.Glu1198fs)

Gene: CACNA1A (calcium voltage-gated channel subunit alpha1 A; minus strand). Cytogenetic location: 19p13.13.
Variant type: Duplication.
Coding change: c.3591dup on transcript NM_001127222.2 (MANE Select); coding-DNA position 3591, one base duplicated (A; older notation c.3591dupA).
Protein change: p.Glu1198fs; shifts the reading frame from glutamic acid 1198.
Molecular consequence: frameshift variant.
Genome position (GRCh38, 1-based): chr19:13,285,169, T duplicated on the plus strand (A on the coding strand, the reverse complement: CACNA1A is on the minus strand); the first of 7 consecutive T bases (chr19:13,285,169-13,285,175); duplicating any one gives the same sequence. VCF-style (leftmost placement, unchanged base first): chr19-13285168-C-CT. GRCh37 (hg19) VCF-style: chr19-13395982-C-CT.
Other names: c.3594dupA (NM_001127221.2); c.3603dup, p.Glu1202fs (NM_000068.4, NM_023035.3); c.3594dup, p.Glu1199fs (NM_001127221.2, NM_001174080.2); short protein forms E1198fs, E1199fs, E1202fs.
Identifiers: ClinVar variation 3629759 (VCV003629759.1).